The following is an entry in ClinVar:

ClinVar aggregate classification (germline): Conflicting classifications of pathogenicity. Review status: criteria provided, conflicting classifications (1 of 4 stars). 4 submissions from 4 submitters: Likely pathogenic (2); Uncertain significance (1). 1 of the submissions does not count toward it. Last evaluated 2025-09-24.

Conditions:
Cardiovascular phenotype. Identifiers: MedGen CN230736.
Hereditary cancer-predisposing syndrome. Also called: Neoplastic Syndromes, Hereditary; Hereditary Cancer Syndrome; Tumor predisposition; Hereditary neoplastic syndrome. Identifiers: Orphanet 140162, MedGen C0027672, MeSH D009386, MONDO:0015356.
Neurofibromatosis, type 1 (NF1). Also called: NEUROFIBROMATOSIS, TYPE I, SOMATIC; VON RECKLINGHAUSEN DISEASE; Peripheral type neurofibromatosis; Neurofibromatosis, type I. Identifiers: Orphanet 636, MedGen C0027831, MONDO:0018975, OMIM 162200. Disease mechanism: loss of function.

gnomAD v4.1: 1 of 1,614,176 alleles (0.000062%); highest among the groups gnomAD compares: Non-Finnish European, 0.000085%; no homozygotes.

Submissions (4):

Ambry Genetics
Classification: Uncertain significance for Cardiovascular phenotype; Hereditary cancer-predisposing syndrome. Last evaluated: 2025-09-24. Review status: criteria provided, single submitter. Criteria: Ambry Variant Classification Scheme 2023. Collection method: clinical testing. Allele origin: germline.
Comment: The p.L1246P variant (also known as c.3737T>C), located in coding exon 28 of the NF1 gene, results from a T to C substitution at nucleotide position 3737. The leucine at codon 1246 is replaced by proline, an amino acid with similar properties. This amino acid position is highly conserved in available vertebrate species. In addition, this alteration is predicted to be deleterious by in silico analysis. Based on the available evidence, the clinical significance of this variant remains unclear.

Labcorp Genetics (formerly Invitae), Labcorp
Classification: Likely pathogenic for Neurofibromatosis, type 1. Last evaluated: 2025-01-06. Review status: criteria provided, single submitter. Criteria: Invitae Variant Classification Sherloc (09022015). Collection method: clinical testing. Allele origin: germline.
Comment: This sequence change replaces leucine, which is neutral and non-polar, with proline, which is neutral and non-polar, at codon 1246 of the NF1 protein (p.Leu1246Pro). This variant is not present in population databases (gnomAD no frequency). This missense change has been observed in individual(s) with clinical features of NF1-related conditions (internal data). ClinVar contains an entry for this variant (Variation ID: 1468808). Invitae Evidence Modeling of protein sequence and biophysical properties (such as structural, functional, and spatial information, amino acid conservation, physicochemical variation, residue mobility, and thermodynamic stability) indicates that this missense variant is expected to disrupt NF1 protein function with a positive predictive value of 95%. In summary, the currently available evidence indicates that the variant is pathogenic, but additional data are needed to prove that conclusively. Therefore, this variant has been classified as Likely Pathogenic.

GeneDx
Classification: Likely pathogenic. Last evaluated: 2024-10-08. Review status: criteria provided, single submitter. Criteria: GeneDx Variant Classification Process June 2021. Collection method: clinical testing. Allele origin: germline. Affected: yes.
Comment: Not observed at significant frequency in large population cohorts (gnomAD); In silico analysis supports that this missense variant has a deleterious effect on protein structure/function; Published functional studies suggest a damaging effect: reduced RAS GAP activity and reduced NF-SPRED1 co-immunoprecipitation (Douben H et al. (2023) Hindawi Human Mutation.); Identified in a patient with clinical features of neurofibromatosis type 1 in published literature (Douben H et al. (2023) Hindawi Human Mutation.); This variant is associated with the following publications: (PMID: Douben2023[Functional study], 25486365, 22807134)

Clinical Genetics Laboratory, University Hospital Schleswig-Holstein
Classification: Likely pathogenic for Neurofibromatosis, type 1. Last evaluated: 2022-07-01. Review status: no assertion criteria provided. Collection method: clinical testing. Allele origin: germline. Affected: yes. Not counted in ClinVar's aggregate classification.

NM_001042492.3(NF1):c.3737T>C (p.Leu1246Pro)

Gene: NF1 (neurofibromin 1; plus strand). Cytogenetic location: 17q11.2.
Variant type: single nucleotide variant.
Coding change: c.3737T>C on transcript NM_001042492.3 (MANE Select); coding-DNA position 3737, T replaced by C.
Protein change: p.Leu1246Pro; replaces leucine 1246 with proline.
Molecular consequence: missense variant.
Genome position (GRCh38, 1-based): chr17:31,235,639, T>C. VCF-style: chr17-31235639-T-C. GRCh37 (hg19) VCF-style: chr17-29562657-T-C.
Other names: c.3737T>C, p.Leu1246Pro (NM_000267.4); short protein forms L1246P.
Identifiers: ClinVar variation 1468808 (VCV001468808.12), dbSNP rs2151437777, ClinGen allele CA398992392.